The following is an entry in ClinVar:

NM_001277115.2(DNAH11):c.9761C>A (p.Ala3254Glu)

Gene: DNAH11 (dynein axonemal heavy chain 11; plus strand). Cytogenetic location: 7p15.3.
Variant type: single nucleotide variant.
Coding change: c.9761C>A on transcript NM_001277115.2 (MANE Select); coding-DNA position 9761, C replaced by A.
Protein change: p.Ala3254Glu; replaces alanine 3254 with glutamic acid.
Molecular consequence: missense variant.
Genome position (GRCh38, 1-based): chr7:21,787,420, C>A. VCF-style: chr7-21787420-C-A. GRCh37 (hg19) VCF-style: chr7-21827038-C-A.
Other names: c.9761C>A (NM_001277115.1); c.9782C>A, p.Ala3261Glu (NM_003777.3); short protein forms A3254E, A3261E.
Identifiers: ClinVar variation 1959631 (VCV001959631.6), dbSNP rs1788237725, ClinGen allele CA366941236.
Genomic context (GRCh38, chr7:21,787,420, plus strand): 5'-GCCAAAATGGGTTCATTGCAATAAATCTTTTTGCTTTGCAGGTTGATGATTTTTTGCAAG[C>A]ATTAATTAACTATGACAAAGAGCACATTCCAGAGAACTGTCTAAAAGTGGTGAATGAACA-3'
Protein context (NP_001264044.1, residues 3244-3264): FMGKVDDFLQ[Ala3254Glu]LINYDKEHIP

ClinVar aggregate classification (germline): Uncertain significance. Review status: criteria provided, multiple submitters, no conflicts (2 of 4 stars). 2 submissions from 2 submitters: Uncertain significance (2). Last evaluated 2025-03-23.

Conditions:
Primary ciliary dyskinesia. Also called: Ciliary dyskinesia. Identifiers: Orphanet 244, MedGen C0008780, MONDO:0016575, HP:0012265.

Allele frequency attached by ClinVar (database versions not stated): gnomAD exomes below 0.00001.
gnomAD v4.1: 1 of 1,606,422 alleles (0.000062%); highest among the groups gnomAD compares: Admixed American, 0.0017%; no homozygotes.

Submissions (2):

Ambry Genetics
Classification: Uncertain significance for Primary ciliary dyskinesia. Last evaluated: 2025-03-23. Review status: criteria provided, single submitter. Criteria: Ambry Variant Classification Scheme 2023. Collection method: clinical testing. Allele origin: germline.
Comment: The p.A3254E variant (also known as c.9761C>A), located in coding exon 60 of the DNAH11 gene, results from a C to A substitution at nucleotide position 9761. The alanine at codon 3254 is replaced by glutamic acid, an amino acid with dissimilar properties. This amino acid position is conserved. In addition, this alteration is predicted to be tolerated by in silico analysis. Based on the available evidence, the clinical significance of this variant remains unclear.

Labcorp Genetics (formerly Invitae), Labcorp
Classification: Uncertain significance for Primary ciliary dyskinesia. Last evaluated: 2022-04-07. Review status: criteria provided, single submitter. Criteria: Invitae Variant Classification Sherloc (09022015). Collection method: clinical testing. Allele origin: germline.
Comment: This sequence change replaces alanine, which is neutral and non-polar, with glutamic acid, which is acidic and polar, at codon 3254 of the DNAH11 protein (p.Ala3254Glu). This variant is not present in population databases (gnomAD no frequency). This variant has not been reported in the literature in individuals affected with DNAH11-related conditions. Advanced modeling of protein sequence and biophysical properties (such as structural, functional, and spatial information, amino acid conservation, physicochemical variation, residue mobility, and thermodynamic stability) performed at Invitae indicates that this missense variant is not expected to disrupt DNAH11 protein function. In summary, the available evidence is currently insufficient to determine the role of this variant in disease. Therefore, it has been classified as a Variant of Uncertain Significance.